The following is an entry in ClinVar:

ClinVar aggregate classification (germline): Uncertain significance (1 of 4 stars; one submission).

Conditions:
Inborn genetic diseases. Identifiers: MedGen C0950123, MeSH D030342.

Submission:

Ambry Genetics
Classification: Uncertain significance for Inborn genetic diseases. Last evaluated: 2021-10-01. Review status: criteria provided, single submitter. Criteria: Ambry Variant Classification Scheme 2023. Collection method: clinical testing. Allele origin: germline.
Comment: The p.H700N variant (also known as c.2098C>A), located in coding exon 22 of the ERCC2 gene, results from a C to A substitution at nucleotide position 2098. The histidine at codon 700 is replaced by asparagine, an amino acid with similar properties. This amino acid position is conserved. In addition, the in silico prediction for this alteration is inconclusive. Since supporting evidence is limited at this time, the clinical significance of this alteration remains unclear.

NM_000400.4(ERCC2):c.2098C>A (p.His700Asn)

Gene: ERCC2 (ERCC excision repair 2, TFIIH core complex helicase subunit; minus strand). Cytogenetic location: 19q13.32.
Variant type: single nucleotide variant.
Coding change: c.2098C>A on transcript NM_000400.4 (MANE Select); coding-DNA position 2098, C replaced by A.
Protein change: p.His700Asn; replaces histidine 700 with asparagine.
Molecular consequence: missense variant.
Genome position (GRCh38, 1-based): chr19:45,352,301, G>T on the plus strand (C>A on the coding strand, the complement: ERCC2 is on the minus strand). VCF-style: chr19-45352301-G-T. GRCh37 (hg19) VCF-style: chr19-45855559-G-T.
Other names: short protein forms H700N.
Identifiers: ClinVar variation 1785823 (VCV001785823.2), dbSNP rs771934871, ClinGen allele CA406362296.